The following is an entry in ClinVar:

NM_018238.4(AGK):c.*1210A>T

Gene: AGK (acylglycerol kinase; plus strand). Cytogenetic location: 7q34.
Variant type: single nucleotide variant.
Coding change: c.*1210A>T on transcript NM_018238.4 (MANE Select); 1210 bases downstream of the stop codon, A replaced by T.
Molecular consequence: 3 prime UTR variant.
Genome position (GRCh38, 1-based): chr7:141,654,134, A>T. VCF-style: chr7-141654134-A-T. GRCh37 (hg19) VCF-style: chr7-141353934-A-T.
Other names: c.*1210A>T (LRG_1251t1).
Identifiers: ClinVar variation 359081 (VCV000359081.5), dbSNP rs184938991, ClinGen allele CA10628366.

ClinVar aggregate classification (germline): Benign. Review status: criteria provided, single submitter (1 of 4 stars). 2 submissions from 1 submitter: Benign (2). Last evaluated 2018-01-12.

Conditions:
Cataract 38. Also called: Cataract, autosomal recessive congenital 5; Cataract 38, autosomal recessive. Identifiers: Orphanet 91492, MedGen C3553494, MONDO:0013859, OMIM 614691.
Sengers syndrome. Also called: MITOCHONDRIAL DNA DEPLETION SYNDROME 10 (CARDIOMYOPATHIC TYPE); Cardiomyopathy and cataract. Identifiers: Orphanet 1369, MedGen C1859317, MONDO:0008922, OMIM 212350.

Allele frequency attached by ClinVar (database versions not stated): 1000 Genomes Project 0.00779; 1000 Genomes Project 30x 0.00843; gnomAD 0.00887 and 0.00966; TOPMed 0.01058.

Submissions (2):

Illumina Laboratory Services, Illumina
Classification: Benign for Sengers syndrome. Last evaluated: 2018-01-12. Review status: criteria provided, single submitter. Criteria: ICSL Variant Classification Criteria 13 December 2019. Collection method: clinical testing. Allele origin: germline.
Comment: This variant was observed in the ICSL laboratory as part of a predisposition screen in an ostensibly healthy population. It had not been previously curated by ICSL or reported in the Human Gene Mutation Database (HGMD: prior to June 1st, 2018), and was therefore a candidate for classification through an automated scoring system. Utilizing variant allele frequency, disease prevalence and penetrance estimates, and inheritance mode, an automated score was calculated to assess if this variant is too frequent to cause the disease. Based on the score and internal cut-off values, a variant classified as benign is not then subjected to further curation. The score for this variant resulted in a classification of benign for this disease.

Illumina Laboratory Services, Illumina
Classification: Benign for Cataract 38. Last evaluated: 2018-01-12. Review status: criteria provided, single submitter. Criteria: ICSL Variant Classification Criteria 13 December 2019. Collection method: clinical testing. Allele origin: germline.
Comment: the same text as in the submission from Illumina Laboratory Services, Illumina above.